The following is an entry in ClinVar:

ClinVar aggregate classification (germline): Conflicting classifications of pathogenicity. Review status: criteria provided, conflicting classifications (1 of 4 stars). 8 submissions from 7 submitters: Uncertain significance (6); Likely benign (2). Last evaluated 2026-02-20.

Conditions:
Meckel-Gruber syndrome. Also called: Dysencephalia splachnocystica; DYSENCEPHALIA SPLANCHNOCYSTICA; GRUBER SYNDROME. Identifiers: Orphanet 564, MedGen C0265215, MONDO:0018921.
Joubert syndrome. Also called: Familial aplasia of the vermis; JOUBERT-BOLTSHAUSER SYNDROME. Identifiers: Orphanet 475, MedGen C5979921, MONDO:0018772.
Inborn genetic diseases. Identifiers: MedGen C0950123, MeSH D030342.
Joubert syndrome 9 (JBTS9). Identifiers: Orphanet 2318, MedGen C2676788, MONDO:0012849, OMIM 612285.
Meckel syndrome, type 6. Identifiers: Orphanet 564, MedGen C2676790, MONDO:0012848, OMIM 612284.
Retinitis pigmentosa 93. Identifiers: MedGen C5676970, MONDO:0030797, OMIM 619845.
COACH syndrome 2. Identifiers: MedGen C5436837, MONDO:0030859, OMIM 619111.
CC2D2A-related disorder. Also called: CC2D2A-related disorders; CC2D2A-related condition. Identifiers: MedGen CN239313.

Allele frequency attached by ClinVar (database versions not stated): ESP Exome Variant Server 0.00008; gnomAD 0.00020 and 0.00024; TOPMed 0.00024.
gnomAD v4.1: 73 of 1,602,826 alleles (0.0046%); highest among the groups gnomAD compares: African/African-American, 0.086%; no homozygotes.

Submissions (8):

PreventionGenetics, part of Exact Sciences
Classification: Uncertain significance for CC2D2A-related condition. Last evaluated: 2026-02-20. Review status: criteria provided, single submitter. Criteria: ACMG Guidelines, 2015. Collection method: clinical testing. Allele origin: germline.
Comment: The CC2D2A c.751G>A variant is predicted to result in the amino acid substitution p.Glu251Lys. To our knowledge, this variant has not been reported in the literature. This variant is reported in 0.054% of alleles in individuals of African descent in gnomAD. Although we suspect that this variant may be benign, at this time, the clinical significance of this variant is uncertain due to the absence of conclusive functional and genetic evidence.

Labcorp Genetics (formerly Invitae), Labcorp
Classification: Likely benign for Joubert syndrome; Meckel-Gruber syndrome. Last evaluated: 2026-01-31. Review status: criteria provided, single submitter. Criteria: Invitae Variant Classification Sherloc (09022015). Collection method: clinical testing. Allele origin: germline.

Ambry Genetics
Classification: Uncertain significance for Inborn genetic diseases. Last evaluated: 2025-08-25. Review status: criteria provided, single submitter. Criteria: Ambry Variant Classification Scheme 2023. Collection method: clinical testing. Allele origin: germline.

Fulgent Genetics
Classification: Uncertain significance for Meckel syndrome, type 6; Joubert syndrome 9; COACH syndrome 2; Retinitis pigmentosa 93. Last evaluated: 2024-02-22. Review status: criteria provided, single submitter. Criteria: ACMG Guidelines, 2015. Collection method: clinical testing. Allele origin: germline.

Blueprint Genetics
Classification: Likely benign. Last evaluated: 2022-09-08. Review status: criteria provided, single submitter. Criteria: ACMG Guidelines, 2015. Collection method: clinical testing. Allele origin: germline.

Eurofins Ntd Llc (ga)
Classification: Uncertain significance. Last evaluated: 2018-06-29. Review status: criteria provided, single submitter. Criteria: EGL ClinVar v180209 classification definitions. Collection method: clinical testing. Allele origin: germline. Observed: 1 variant allele, 1 heterozygote.

Illumina Laboratory Services, Illumina
Classification: Uncertain significance for Meckel syndrome, type 6. Last evaluated: 2018-01-13. Review status: criteria provided, single submitter. Criteria: ICSL Variant Classification Criteria 13 December 2019. Collection method: clinical testing. Allele origin: germline.

Illumina Laboratory Services, Illumina
Classification: Uncertain significance for Joubert syndrome 9. Last evaluated: 2018-01-13. Review status: criteria provided, single submitter. Criteria: ICSL Variant Classification Criteria 13 December 2019. Collection method: clinical testing. Allele origin: germline.

NM_001378615.1(CC2D2A):c.751G>A (p.Glu251Lys)

Genes: CC2D2A (coiled-coil and C2 domain containing 2A; plus strand), FBXL5 (F-box and leucine rich repeat protein 5; minus strand). Cytogenetic location: 4p15.32.
Variant type: single nucleotide variant.
Coding change: c.751G>A on transcript NM_001378615.1 (MANE Select); coding-DNA position 751, G replaced by A.
Protein change: p.Glu251Lys; replaces glutamic acid 251 with lysine.
Molecular consequence: missense variant.
Genome position (GRCh38, 1-based): chr4:15,514,740, G>A. VCF-style: chr4-15514740-G-A. GRCh37 (hg19) VCF-style: chr4-15516363-G-A.
Other names: c.751G>A, p.Glu251Lys (NM_001080522.2); c.604G>A, p.Glu202Lys (NM_001378617.1); short protein forms E251K, E202K.
Identifiers: ClinVar variation 597873 (VCV000597873.26), dbSNP rs374554530, ClinGen allele CA2863489.